The following is an entry in ClinVar:

ClinVar aggregate classification (germline): Uncertain significance (1 of 4 stars; one submission).

Submission:

Labcorp Genetics (formerly Invitae), Labcorp
Classification: Uncertain significance. Last evaluated: 2022-10-17. Review status: criteria provided, single submitter. Criteria: Invitae Variant Classification Sherloc (09022015). Collection method: clinical testing. Allele origin: germline.
Comment: This sequence change replaces aspartic acid, which is acidic and polar, with asparagine, which is neutral and polar, at codon 2894 of the PCLO protein (p.Asp2894Asn). This variant is not present in population databases (gnomAD no frequency). This variant has not been reported in the literature in individuals affected with PCLO-related conditions. ClinVar contains an entry for this variant (Variation ID: 1507383). Algorithms developed to predict the effect of missense changes on protein structure and function are either unavailable or do not agree on the potential impact of this missense change (SIFT: "Tolerated"; PolyPhen-2: "Not Available"; Align-GVGD: "Class C0"). In summary, the available evidence is currently insufficient to determine the role of this variant in disease. Therefore, it has been classified as a Variant of Uncertain Significance.

NM_033026.6(PCLO):c.8680G>A (p.Asp2894Asn)

Gene: PCLO (piccolo presynaptic cytomatrix protein; minus strand). Cytogenetic location: 7q21.11.
Variant type: single nucleotide variant.
Coding change: c.8680G>A on transcript NM_033026.6 (MANE Select); coding-DNA position 8680, G replaced by A.
Protein change: p.Asp2894Asn; replaces aspartic acid 2894 with asparagine.
Molecular consequence: missense variant.
Genome position (GRCh38, 1-based): chr7:82,952,273, C>T on the plus strand (G>A on the coding strand, the complement: PCLO is on the minus strand). VCF-style: chr7-82952273-C-T. GRCh37 (hg19) VCF-style: chr7-82581589-C-T.
Other names: c.8680G>A, p.Asp2894Asn (NM_014510.3); short protein forms D2894N.
Identifiers: ClinVar variation 1507383 (VCV001507383.5), dbSNP rs549765960, ClinGen allele CA367910408.